The following is an entry in ClinVar:

NM_006393.3(NEBL):c.1104G>C (p.Lys368Asn)

Gene: NEBL (nebulette; minus strand). Cytogenetic location: 10p12.31.
Variant type: single nucleotide variant.
Coding change: c.1104G>C on transcript NM_006393.3 (MANE Select); coding-DNA position 1104, G replaced by C.
Protein change: p.Lys368Asn; replaces lysine 368 with asparagine.
Molecular consequence: missense variant. On other transcripts: intron variant (9).
Genome position (GRCh38, 1-based): chr10:20,850,407, C>G on the plus strand (G>C on the coding strand, the complement: NEBL is on the minus strand). VCF-style: chr10-20850407-C-G. GRCh37 (hg19) VCF-style: chr10-21139336-C-G.
Other names: c.250-37467G>C (NM_001377326.1, NM_001377327.1, NM_001377328.1); c.358-37467G>C (NM_213569.2, NM_001173484.2, NM_001377322.1); c.301-37467G>C (NM_001377324.1); c.292-37467G>C (NM_001377325.1); c.310-37467G>C (NM_001377323.1); short protein forms K368N.
Identifiers: ClinVar variation 1383464 (VCV001383464.6), dbSNP rs2131051844, ClinGen allele CA376099805.
Genomic context (GRCh38, chr10:20,850,407, plus strand): 5'-AAACATCAAATTTACATTAAACAATTAGTAACAAACTAATTGACCTACTTCACTTTGCAT[C>G]TTTTGAGCCTCCTTTGAAGCTTGATATGATGGTGTCTCAACAAATTCAAGCATTGGCTTT-3'
Protein context (NP_006384.1, residues 358-378): PSYQASKEAQ[Lys368Asn]MQSEKVYKED

ClinVar aggregate classification (germline): Uncertain significance (1 of 4 stars; one submission).

Conditions:
Primary dilated cardiomyopathy (DCM). Also called: Dilated Cardiomyopathy. Identifiers: Orphanet 217604, MedGen C0007193, MeSH D002311, MONDO:0005021, HP:0001644. Inheritance: Various modes of inheritance.

Submission:

Labcorp Genetics (formerly Invitae), Labcorp
Classification: Uncertain significance for Primary dilated cardiomyopathy. Last evaluated: 2021-11-16. Review status: criteria provided, single submitter. Criteria: Invitae Variant Classification Sherloc (09022015). Collection method: clinical testing. Allele origin: germline.
Comment: This sequence change replaces lysine, which is basic and polar, with asparagine, which is neutral and polar, at codon 368 of the NEBL protein (p.Lys368Asn). This variant is not present in population databases (gnomAD no frequency). This variant has not been reported in the literature in individuals affected with NEBL-related conditions. Algorithms developed to predict the effect of missense changes on protein structure and function are either unavailable or do not agree on the potential impact of this missense change (SIFT: "Deleterious"; PolyPhen-2: "Benign"; Align-GVGD: "Class C0"). In summary, the available evidence is currently insufficient to determine the role of this variant in disease. Therefore, it has been classified as a Variant of Uncertain Significance.